The following is an entry in ClinVar:

NM_020297.4(ABCC9):c.2391A>G (p.Leu797=)

Gene: ABCC9 (ATP binding cassette subfamily C member 9; minus strand). Cytogenetic location: 12p12.1.
Variant type: single nucleotide variant.
Coding change: c.2391A>G on transcript NM_020297.4 (MANE Select); coding-DNA position 2391, A replaced by G.
Protein change: p.Leu797=; no amino-acid change (leucine 797 retained).
Molecular consequence: synonymous variant.
Genome position (GRCh38, 1-based): chr12:21,861,004, T>C on the plus strand (A>G on the coding strand, the complement: ABCC9 is on the minus strand). VCF-style: chr12-21861004-T-C. GRCh37 (hg19) VCF-style: chr12-22013938-T-C.
Other names: c.2391A>G (NM_020297.2); c.2391A>G, p.Leu797= (NM_001377273.1, NM_005691.4); c.1524A>G, p.Leu508= (NM_001377274.1).
Identifiers: ClinVar variation 1113447 (VCV001113447.12), dbSNP rs1026995892, ClinGen allele CA233604812.
Genomic context (GRCh38, chr12:21,861,004, plus strand): 5'-TGCTTAATGAAACTATATATAGCTCACCCTCTCTCCAATTTCAGTTTGATCTCCAAATGG[T>C]AATAAGTCAATATCTGGCTGAAGAGAACAGGCATCTGTGACAGCTTTGTACCTTTGGGAG-3'
Protein context (NP_064693.2, residues 787-807): ACSLQPDIDL[Leu797=]PFGDQTEIGE

ClinVar aggregate classification (germline): Conflicting classifications of pathogenicity. Review status: criteria provided, conflicting classifications (1 of 4 stars). 3 submissions from 3 submitters: Uncertain significance (1); Likely benign (2). Last evaluated 2025-11-27.

Conditions:
Dilated cardiomyopathy 1O (CMD1O). Also called: CARDIOMYOPATHY, DILATED, WITH VENTRICULAR TACHYCARDIA. Identifiers: Orphanet 154, MedGen C1837839, MONDO:0012062, OMIM 608569.
Cardiovascular phenotype. Identifiers: MedGen CN230736.

Allele frequency attached by ClinVar (database versions not stated): gnomAD exomes below 0.00001; gnomAD 0.00003 and 0.00004; TOPMed 0.00004.
gnomAD v4.1: 10 of 1,613,544 alleles (0.00062%); highest among the groups gnomAD compares: African/African-American, 0.011%; no homozygotes.

Submissions (3):

Labcorp Genetics (formerly Invitae), Labcorp
Classification: Likely benign for Dilated cardiomyopathy 1O. Last evaluated: 2025-11-27. Review status: criteria provided, single submitter. Criteria: Invitae Variant Classification Sherloc (09022015). Collection method: clinical testing. Allele origin: germline.

GeneDx
Classification: Uncertain significance. Last evaluated: 2024-05-07. Review status: criteria provided, single submitter. Criteria: GeneDx Variant Classification Process June 2021. Collection method: clinical testing. Allele origin: germline. Affected: yes.
Comment: Has not been previously published as pathogenic or benign to our knowledge; Not observed at significant frequency in large population cohorts (gnomAD); In silico analysis indicates that this variant does not alter splicing

Ambry Genetics
Classification: Likely benign for Cardiovascular phenotype. Last evaluated: 2020-03-13. Review status: criteria provided, single submitter. Criteria: Ambry Variant Classification Scheme 2023. Collection method: clinical testing. Allele origin: germline.